The following is an entry in ClinVar:

NM_024422.6(DSC2):c.91G>A (p.Ala31Thr)

Gene: DSC2 (desmocollin 2; minus strand). Cytogenetic location: 18q12.1.
Variant type: single nucleotide variant.
Coding change: c.91G>A on transcript NM_024422.6 (MANE Select); coding-DNA position 91, G replaced by A.
Protein change: p.Ala31Thr; replaces alanine 31 with threonine.
Molecular consequence: missense variant. On other transcripts: 5 prime UTR variant (2).
Genome position (GRCh38, 1-based): chr18:31,093,622, C>T on the plus strand (G>A on the coding strand, the complement: DSC2 is on the minus strand). VCF-style: chr18-31093622-C-T. GRCh37 (hg19) VCF-style: chr18-28673585-C-T.
Other names: c.-339G>A (NM_001406506.1, NM_001406507.1); c.91G>A, p.Ala31Thr (NM_004949.5); short protein forms A31T.
Identifiers: ClinVar variation 4014903 (VCV004014903.1).

ClinVar aggregate classification (germline): Uncertain significance (1 of 4 stars; one submission).

Conditions:
Cardiovascular phenotype. Identifiers: MedGen CN230736.

Submission:

Ambry Genetics
Classification: Uncertain significance for Cardiovascular phenotype. Last evaluated: 2025-04-30. Review status: criteria provided, single submitter. Criteria: Ambry Variant Classification Scheme 2023. Collection method: clinical testing. Allele origin: germline.
Comment: The p.A31T variant (also known as c.91G>A), located in coding exon 2 of the DSC2 gene, results from a G to A substitution at nucleotide position 91. The alanine at codon 31 is replaced by threonine, an amino acid with similar properties. This amino acid position is conserved. In addition, this alteration is predicted to be tolerated by in silico analysis. Based on the available evidence, the clinical significance of this variant remains unclear.